The following is an entry in ClinVar:

ClinVar aggregate classification (germline): Uncertain significance (1 of 4 stars; one submission).

Submission:

GeneDx
Classification: Uncertain significance. Last evaluated: 2025-05-07. Review status: criteria provided, single submitter. Criteria: GeneDx Variant Classification Process June 2021. Collection method: clinical testing. Allele origin: germline. Affected: yes.
Comment: Not observed at significant frequency in large population cohorts (gnomAD); In silico analysis suggests that this missense variant does not alter protein structure/function; Has not been previously published as pathogenic or benign to our knowledge

NM_017763.6(RNF43):c.1772C>T (p.Pro591Leu)

Gene: RNF43 (ring finger protein 43; minus strand). Cytogenetic location: 17q22.
Variant type: single nucleotide variant.
Coding change: c.1772C>T on transcript NM_017763.6 (MANE Select); coding-DNA position 1772, C replaced by T.
Protein change: p.Pro591Leu; replaces proline 591 with leucine.
Molecular consequence: missense variant.
Genome position (GRCh38, 1-based): chr17:58,358,004, G>A on the plus strand (C>T on the coding strand, the complement: RNF43 is on the minus strand). VCF-style: chr17-58358004-G-A. GRCh37 (hg19) VCF-style: chr17-56435365-G-A.
Other names: c.1772C>T, p.Pro591Leu (NM_001305544.3, NM_001438820.1, NM_001438821.1 and 1 more transcripts); c.1391C>T, p.Pro464Leu (NM_001305545.2, NM_001437987.1); short protein forms P464L, P591L.
Identifiers: ClinVar variation 4528190 (VCV004528190.1).
Genomic context (GRCh38, chr17:58,358,004, plus strand): 5'-GAGAGCCGCCCCGAAGGGGCTGCTGAGTTGGATCTGGTGACTTGCTGATCAGGAGAAGGT[G>A]GCTCTGGCTGGGGCTGTGTCCGAGGAATAGGAGGCCTGGACTGGGGGACTCCGGTTTCTG-3'
Protein context (NP_060233.3, residues 581-601): PIPRTQPQPE[Pro591Leu]PSPDQQVTRS